The following is an entry in ClinVar:

ClinVar aggregate classification (germline): Likely benign. Review status: criteria provided, multiple submitters, no conflicts (2 of 4 stars). 3 submissions from 3 submitters: Likely benign (2). 1 of the submissions does not count toward it. Last evaluated 2026-09-01.

Conditions:
MED13-related disorder. Also called: MED13-related condition.

Allele frequency attached by ClinVar (database versions not stated): gnomAD 0.00042; ESP Exome Variant Server 0.00066; ExAC 0.00022; TOPMed 0.00039.
gnomAD v4.1: 1,112 of 1,613,340 alleles (0.069%); highest among the groups gnomAD compares: Non-Finnish European, 0.088%; no homozygotes.

Submissions (3):

CeGaT Center for Human Genetics Tuebingen
Classification: Likely benign. Last evaluated: 2026-09-01. Review status: criteria provided, single submitter. Criteria: CeGaT Center For Human Genetics Tuebingen Variant Classification Criteria Version 2. Collection method: clinical testing. Allele origin: germline. Affected: yes. Observed: 4 variant alleles.
Comment: MED13: BS2

Blueprint Genetics
Classification: Likely benign. Last evaluated: 2024-07-19. Review status: criteria provided, single submitter. Criteria: ACMG Guidelines, 2015. Collection method: clinical testing. Allele origin: germline.

PreventionGenetics, part of Exact Sciences
Classification: Likely benign for MED13-related condition. Last evaluated: 2022-04-13. Review status: no assertion criteria provided. Collection method: clinical testing. Allele origin: germline. Not counted in ClinVar's aggregate classification.
Comment: This variant is classified as likely benign based on ACMG/AMP sequence variant interpretation guidelines (Richards et al. 2015 PMID: 25741868, with internal and published modifications).

NM_005121.3(MED13):c.563T>C (p.Leu188Pro)

Gene: MED13 (mediator complex subunit 13; minus strand). Cytogenetic location: 17q23.2.
Variant type: single nucleotide variant.
Coding change: c.563T>C on transcript NM_005121.3 (MANE Select); coding-DNA position 563, T replaced by C.
Protein change: p.Leu188Pro; replaces leucine 188 with proline.
Molecular consequence: missense variant.
Genome position (GRCh38, 1-based): chr17:62,035,516, A>G on the plus strand (T>C on the coding strand, the complement: MED13 is on the minus strand). VCF-style: chr17-62035516-A-G. GRCh37 (hg19) VCF-style: chr17-60112877-A-G.
Other names: c.563T>C (NM_005121.2); short protein forms L188P.
Identifiers: ClinVar variation 3024847 (VCV003024847.24), dbSNP rs199717491, ClinGen allele CA8693289.